The following is an entry in ClinVar:

NM_001365536.1(SCN9A):c.5692C>T (p.Arg1898Cys)

Genes: SCN1A-AS1 (SCN1A and SCN9A antisense RNA 1; plus strand), SCN9A (sodium voltage-gated channel alpha subunit 9; minus strand). Cytogenetic location: 2q24.3.
Variant type: single nucleotide variant.
Coding change: c.5692C>T on transcript NM_001365536.1 (MANE Select); coding-DNA position 5692, C replaced by T.
Protein change: p.Arg1898Cys; replaces arginine 1898 with cysteine.
Molecular consequence: missense variant.
Genome position (GRCh38, 1-based): chr2:166,198,947, G>A on the plus strand (C>T on the coding strand, the complement: SCN9A is on the minus strand). VCF-style: chr2-166198947-G-A. GRCh37 (hg19) VCF-style: chr2-167055457-G-A.
Other names: c.5659C>T, p.Arg1887Cys (NM_002977.4); short protein forms R1887C, R1898C.
Identifiers: ClinVar variation 655584 (VCV000655584.12), dbSNP rs577823520, ClinGen allele CA1943635.

ClinVar aggregate classification (germline): Uncertain significance. Review status: criteria provided, multiple submitters, no conflicts (2 of 4 stars). 2 submissions from 2 submitters: Uncertain significance (2). Last evaluated 2025-06-13.

Conditions:
Neuropathy, hereditary sensory and autonomic, type 2A (HSAN2A). Also called: HSAN IIA; MORVAN DISEASE; NEUROPATHY, CONGENITAL SENSORY; NEUROPATHY, HEREDITARY SENSORY RADICULAR, AUTOSOMAL RECESSIVE; NEUROPATHY, HEREDITARY SENSORY, TYPE IIA; NEUROPATHY, PROGRESSIVE SENSORY, OF CHILDREN. Identifiers: Orphanet 970, MedGen C2752089, MONDO:0024309, OMIM 201300.
Generalized epilepsy with febrile seizures plus, type 7 (GEFSP7). Also called: GEFS+, TYPE 7. Identifiers: Orphanet 36387, MedGen C2751778, MONDO:0013470, OMIM 613863.

Allele frequency attached by ClinVar (database versions not stated): gnomAD exomes 0.00001; 1000 Genomes Project 30x 0.00016; ExAC 0.00003; 1000 Genomes Project 0.00020; gnomAD 0.00001.
gnomAD v4.1: 12 of 1,613,864 alleles (0.00074%); highest among the groups gnomAD compares: East Asian, 0.0067%; no homozygotes.

Submissions (2):

GeneDx
Classification: Uncertain significance. Last evaluated: 2025-06-13. Review status: criteria provided, single submitter. Criteria: GeneDx Variant Classification Process June 2021. Collection method: clinical testing. Allele origin: germline. Affected: yes.
Comment: In silico analysis supports that this missense variant has a deleterious effect on protein structure/function; Has not been previously published as pathogenic or benign to our knowledge

Labcorp Genetics (formerly Invitae), Labcorp
Classification: Uncertain significance for Neuropathy, hereditary sensory and autonomic, type 2A; Generalized epilepsy with febrile seizures plus, type 7. Last evaluated: 2023-09-15. Review status: criteria provided, single submitter. Criteria: Invitae Variant Classification Sherloc (09022015). Collection method: clinical testing. Allele origin: germline.
Comment: This sequence change replaces arginine, which is basic and polar, with cysteine, which is neutral and slightly polar, at codon 1887 of the SCN9A protein (p.Arg1887Cys). This variant is present in population databases (rs577823520, gnomAD 0.01%). This variant has not been reported in the literature in individuals affected with SCN9A-related conditions. ClinVar contains an entry for this variant (Variation ID: 655584). Advanced modeling of protein sequence and biophysical properties (such as structural, functional, and spatial information, amino acid conservation, physicochemical variation, residue mobility, and thermodynamic stability) has been performed at Invitae for this missense variant, however the output from this modeling did not meet the statistical confidence thresholds required to predict the impact of this variant on SCN9A protein function. In summary, the available evidence is currently insufficient to determine the role of this variant in disease. Therefore, it has been classified as a Variant of Uncertain Significance.